The following is an entry in ClinVar:

NM_000287.4(PEX6):c.1479+6_1479+9del

Gene: PEX6 (peroxisomal biogenesis factor 6; minus strand). Cytogenetic location: 6p21.1.
Variant type: Deletion.
Coding change: c.1479+6_1479+9del on transcript NM_000287.4 (MANE Select); bases 6 to 9 of the intron after coding-DNA position 1479, 4 bases deleted (GGTC; older notation c.1479+6_1479+9delGGTC).
Molecular consequence: intron variant.
Genome position (GRCh38, 1-based): chr6:42,968,865-42,968,868, GACC deleted on the plus strand (GGTC on the coding strand, the reverse complement: PEX6 is on the minus strand). VCF-style (leftmost placement, unchanged base first): chr6-42968864-AGACC-A. GRCh37 (hg19) VCF-style: chr6-42936602-AGACC-A.
Other names: c.1215+6_1215+9del (NM_001316313.2).
Identifiers: ClinVar variation 1978747 (VCV001978747.4), dbSNP rs2481228488, ClinGen allele CA2580074547.

ClinVar aggregate classification (germline): Uncertain significance (1 of 4 stars; one submission).

Conditions:
Peroxisome biogenesis disorder. Identifiers: Orphanet 79189, MedGen C1832200, MONDO:0019234. Disease mechanism: loss of function.

Submission:

Labcorp Genetics (formerly Invitae), Labcorp
Classification: Uncertain significance for Peroxisome biogenesis disorder. Last evaluated: 2022-07-13. Review status: criteria provided, single submitter. Criteria: Invitae Variant Classification Sherloc (09022015). Collection method: clinical testing. Allele origin: germline.
Comment: In summary, the available evidence is currently insufficient to determine the role of this variant in disease. Therefore, it has been classified as a Variant of Uncertain Significance. This sequence change falls in intron 6 of the PEX6 gene. It does not directly change the encoded amino acid sequence of the PEX6 protein. It affects a nucleotide within the consensus splice site. This variant is not present in population databases (gnomAD no frequency). This variant has not been reported in the literature in individuals affected with PEX6-related conditions. Variants that disrupt the consensus splice site are a relatively common cause of aberrant splicing (PMID: 17576681, 9536098). Algorithms developed to predict the effect of sequence changes on RNA splicing suggest that this variant is not likely to affect RNA splicing.

Literature cited by the submitters: PubMed 17576681; PubMed 9536098.